The following is an entry in ClinVar:

NM_000152.5(GAA):c.376del (p.Trp126fs)

Gene: GAA (alpha glucosidase; plus strand). Cytogenetic location: 17q25.3.
Variant type: Deletion.
Coding change: c.376del on transcript NM_000152.5 (MANE Select); coding-DNA position 376, one base deleted (T; older notation c.376delT).
Protein change: p.Trp126fs; shifts the reading frame from tryptophan 126.
Molecular consequence: frameshift variant.
Genome position (GRCh38, 1-based): chr17:80,104,962, T deleted. VCF-style (leftmost placement, unchanged base first): chr17-80104961-CT-C. GRCh37 (hg19) VCF-style: chr17-78078760-CT-C.
Other names: NM_000152.5(GAA):c.376del; p.Trp126fs; c.376del (LRG_673t1); c.376del, p.Trp126fs (NM_001079803.3, NM_001079804.3); short protein forms W126fs.
Identifiers: ClinVar variation 556716 (VCV000556716.6), dbSNP rs1555598824, ClinGen allele CA658824773.

ClinVar aggregate classification (germline): Likely pathogenic. Review status: reviewed by expert panel (3 of 4 stars). 2 submissions from 2 submitters: Likely pathogenic (1). 1 of the submissions does not count toward it. Last evaluated 2024-04-05.

Conditions:
Glycogen storage disease, type II (IOPD). Also called: CARDIOMEGALIA GLYCOGENICA DIFFUSA; POMPE DISEASE, INFANTILE-ONSET; GLYCOGEN STORAGE DISEASE II, INFANTILE-ONSET; ACID ALPHA-GLUCOSIDASE DEFICIENCY, INFANTILE-ONSET; GAA DEFICIENCY, INFANTILE-ONSET; ACID MALTASE DEFICIENCY, INFANTILE-ONSET. Identifiers: Orphanet 365, MedGen C0017921, MONDO:0009290, OMIM 232300.

Submissions (2):

ClinGen Lysosomal Storage Disorder Variant Curation Expert Panel
Classification: Likely pathogenic for Glycogen storage disease, type II. Last evaluated: 2024-04-05. Review status: reviewed by expert panel. Criteria: clingen_lsd_acmg_specifications_v2-1. Collection method: curation. Allele origin: germline. Inheritance: Autosomal recessive inheritance.
Comment: The NM_000152.5:c.376del (p.Trp126GlyfsTer16) variant in GAA is a frameshift variant predicted to cause a premature stop codon in biologically-relevant-exon 2 of 20, leading to nonsense mediated decay in a gene in which loss-of-function is an established disease mechanism (PVS1). This variant is absent in gnomAD v2.1.1 (PM2_Supporting). To our knowledge, this variant has not been reported in the literature in individuals with Pompe disease. There is a ClinVar entry for this variant (Variation ID: 556716). In summary, this variant meets the criteria to be classified as likely pathogenic for Pompe disease. The classification of this variant has been upgraded from Variant of Uncertain Significance to likely pathogenic based on the recommendations of the ClinGen Sequence Variant Interpretation Working Group, that a variant meeting PVS1 and PM2_Supporting is classified as Likely Pathogenic. The classification was first approved by the ClinGen Lysosomal Diseases Variant Curation Expert Panel on September 7, 2021. Since then, the data for this variant have been re-evaluated - no new data were identified. The classification of likely pathogenic was reapproved on April 5, 2024. GAA-specific ACMG/AMP criteria met, as specified by the ClinGen Lysosomal Diseases Variant Curation Expert Panel (Specifications Version 2.0): PVS1, PM2_Supporting.

Counsyl
Classification: Likely pathogenic for Glycogen storage disease, type II. Last evaluated: 2018-02-14. Review status: no assertion criteria provided. Collection method: clinical testing. Allele origin: unknown. Not counted in ClinVar's aggregate classification.